The following is an entry in ClinVar:

ClinVar aggregate classification (germline): Uncertain significance (1 of 4 stars; one submission).

Conditions:
Benign neonatal seizures. Also called: Benign familial neonatal seizures; Benign neonatal familial convulsions; Benign familial neonatal epilepsy; Convulsions benign familial neonatal dominant form; Autosomal dominant form of benign neonatal seizures. Identifiers: Orphanet 1949, MedGen C0220669, MONDO:0016027.

Submission:

Labcorp Genetics (formerly Invitae), Labcorp
Classification: Uncertain significance for Benign neonatal seizures. Last evaluated: 2021-11-30. Review status: criteria provided, single submitter. Criteria: Invitae Variant Classification Sherloc (09022015). Collection method: clinical testing. Allele origin: germline.
Comment: This sequence change replaces glycine, which is neutral and non-polar, with cysteine, which is neutral and slightly polar, at codon 20 of the KCNQ3 protein (p.Gly20Cys). This variant is not present in population databases (gnomAD no frequency). This variant has not been reported in the literature in individuals affected with KCNQ3-related conditions. Advanced modeling of protein sequence and biophysical properties (such as structural, functional, and spatial information, amino acid conservation, physicochemical variation, residue mobility, and thermodynamic stability) performed at Invitae indicates that this missense variant is not expected to disrupt KCNQ3 protein function. In summary, the available evidence is currently insufficient to determine the role of this variant in disease. Therefore, it has been classified as a Variant of Uncertain Significance.

NM_004519.4(KCNQ3):c.58G>T (p.Gly20Cys)

Gene: KCNQ3 (potassium voltage-gated channel subfamily Q member 3; minus strand). Cytogenetic location: 8q24.22.
Variant type: single nucleotide variant.
Coding change: c.58G>T on transcript NM_004519.4 (MANE Select); coding-DNA position 58, G replaced by T.
Protein change: p.Gly20Cys; replaces glycine 20 with cysteine.
Molecular consequence: missense variant.
Genome position (GRCh38, 1-based): chr8:132,480,475, C>A on the plus strand (G>T on the coding strand, the complement: KCNQ3 is on the minus strand). VCF-style: chr8-132480475-C-A. GRCh37 (hg19) VCF-style: chr8-133492722-C-A.
Other names: short protein forms G20C.
Identifiers: ClinVar variation 1405634 (VCV001405634.6), dbSNP rs2130875385, ClinGen allele CA372292980.